The following is an entry in ClinVar:

NM_001330588.2(TPP2):c.2351T>C (p.Leu784Pro)

Gene: TPP2 (tripeptidyl peptidase 2; plus strand). Cytogenetic location: 13q33.1.
Variant type: single nucleotide variant.
Coding change: c.2351T>C on transcript NM_001330588.2 (MANE Select); coding-DNA position 2351, T replaced by C.
Protein change: p.Leu784Pro; replaces leucine 784 with proline.
Molecular consequence: missense variant. On other transcripts: non-coding transcript variant (1).
Genome position (GRCh38, 1-based): chr13:102,644,967, T>C. VCF-style: chr13-102644967-T-C. GRCh37 (hg19) VCF-style: chr13-103297317-T-C.
Other names: c.2351T>C, p.Leu784Pro (LRG_1341t1, NM_001367947.1, NM_003291.4); short protein forms L784P.
Identifiers: ClinVar variation 581572 (VCV000581572.8), dbSNP rs1566352658, ClinGen allele CA388497314.
Genomic context (GRCh38, chr13:102,644,967, plus strand): 5'-AGCATGCATCGGAAGGAATCAACCGCTTTGATGTTCAGTCCTCCTTGAAATACGAAGATC[T>C]GGCTCCCTGCATAACTTTGAAGAACTGGGTCCAAACACTGCGGTATCATTCAATGTTTTA-3'
Protein context (NP_001317517.1, residues 774-794): DVQSSLKYED[Leu784Pro]APCITLKNWV

ClinVar aggregate classification (germline): Uncertain significance (1 of 4 stars; one submission).

Conditions:
Evans syndrome, immunodeficiency, and premature immunosenescence associated with tripeptidyl-peptidase II deficiency. Identifiers: MedGen CN231723. Disease mechanism: loss of function.

Submission:

Labcorp Genetics (formerly Invitae), Labcorp
Classification: Uncertain significance for Evans syndrome, immunodeficiency, and premature immunosenescence associated with tripeptidyl-peptidase II deficiency. Last evaluated: 2018-06-09. Review status: criteria provided, single submitter. Criteria: Invitae Variant Classification Sherloc (09022015). Collection method: clinical testing. Allele origin: germline.
Comment: In summary, the available evidence is currently insufficient to determine the role of this variant in disease. Therefore, it has been classified as a Variant of Uncertain Significance. Algorithms developed to predict the effect of missense changes on protein structure and function (SIFT, PolyPhen-2, Align-GVGD) all suggest that this variant is likely to be disruptive, but these predictions have not been confirmed by published functional studies and their clinical significance is uncertain. This variant has not been reported in the literature in individuals with TPP2-related disease. This variant is not present in population databases (ExAC no frequency). This sequence change replaces leucine with proline at codon 784 of the TPP2 protein (p.Leu784Pro). The leucine residue is moderately conserved and there is a moderate physicochemical difference between leucine and proline.